The following is an entry in ClinVar:

NM_001023.4(RPS20):c.271T>C (p.Leu91=)

Gene: RPS20 (ribosomal protein S20; minus strand). Cytogenetic location: 8q12.1.
Variant type: single nucleotide variant.
Coding change: c.271T>C on transcript NM_001023.4 (MANE Select); coding-DNA position 271, T replaced by C.
Protein change: p.Leu91=; no amino-acid change (leucine 91 retained).
Molecular consequence: synonymous variant.
Genome position (GRCh38, 1-based): chr8:56,073,179, A>G on the plus strand (T>C on the coding strand, the complement: RPS20 is on the minus strand). VCF-style: chr8-56073179-A-G. GRCh37 (hg19) VCF-style: chr8-56985738-A-G.
Other names: c.271T>C, p.Leu91= (NM_001146227.3).
Identifiers: ClinVar variation 1167567 (VCV001167567.12), dbSNP rs768823942, ClinGen allele CA4754322.

ClinVar aggregate classification (germline): Benign/Likely benign. Review status: criteria provided, multiple submitters, no conflicts (2 of 4 stars). 3 submissions from 3 submitters: Benign (2); Likely benign (1). Last evaluated 2026-08-04.

Conditions:
Familial colorectal cancer type X. Identifiers: Orphanet 440437, MedGen C3896578, MONDO:0018604.

Allele frequency attached by ClinVar (database versions not stated): gnomAD exomes 0.00022 and 0.00008; gnomAD 0.00001; ExAC 0.00022.
gnomAD v4.1: 116 of 1,600,292 alleles (0.0072%); highest among the groups gnomAD compares: South Asian, 0.12%; 1 homozygote.

Submissions (3):

Myriad Genetics, Inc.
Classification: Benign for Familial colorectal cancer type X. Last evaluated: 2026-08-04. Review status: criteria provided, single submitter. Criteria: Myriad Autosomal Dominant, Autosomal Recessive and X-Linked Classification Criteria (2023). Collection method: clinical testing. Allele origin: unknown.
Comment: This variant is considered benign. This variant is a silent/synonymous amino acid change and it is not expected to impact splicing.

Labcorp Genetics (formerly Invitae), Labcorp
Classification: Benign. Last evaluated: 2024-05-21. Review status: criteria provided, single submitter. Criteria: Invitae Variant Classification Sherloc (09022015). Collection method: clinical testing. Allele origin: germline.

Ambry Genetics
Classification: Likely benign. Last evaluated: 2022-02-22. Review status: criteria provided, single submitter. Criteria: Ambry Variant Classification Scheme 2023. Collection method: clinical testing. Allele origin: germline.